The following is an entry in ClinVar:

ClinVar aggregate classification (germline): Uncertain significance (1 of 4 stars; one submission).

Submission:

Labcorp Genetics (formerly Invitae), Labcorp
Classification: Uncertain significance. Last evaluated: 2022-03-04. Review status: criteria provided, single submitter. Criteria: Invitae Variant Classification Sherloc (09022015). Collection method: clinical testing. Allele origin: germline.
Comment: This sequence change replaces cysteine, which is neutral and slightly polar, with tyrosine, which is neutral and polar, at codon 9 of the CD81 protein (p.Cys9Tyr). This variant is not present in population databases (gnomAD no frequency). This variant has not been reported in the literature in individuals affected with CD81-related conditions. Algorithms developed to predict the effect of missense changes on protein structure and function are either unavailable or do not agree on the potential impact of this missense change (SIFT: "Deleterious"; PolyPhen-2: "Probably Damaging"; Align-GVGD: "Class C0"). In summary, the available evidence is currently insufficient to determine the role of this variant in disease. Therefore, it has been classified as a Variant of Uncertain Significance.

NM_004356.4(CD81):c.26G>A (p.Cys9Tyr)

Genes: CD81 (CD81 molecule; plus strand), CD81-AS1 (CD81 antisense RNA 1; minus strand). Cytogenetic location: 11p15.5.
Variant type: single nucleotide variant.
Coding change: c.26G>A on transcript NM_004356.4 (MANE Select); coding-DNA position 26, G replaced by A.
Protein change: p.Cys9Tyr; replaces cysteine 9 with tyrosine.
Molecular consequence: missense variant. On other transcripts: intron variant (1).
Genome position (GRCh38, 1-based): chr11:2,377,575, G>A. VCF-style: chr11-2377575-G-A. GRCh37 (hg19) VCF-style: chr11-2398805-G-A.
Other names: c.-148+1218G>A (NM_001297649.2); short protein forms C9Y.
Identifiers: ClinVar variation 2106194 (VCV002106194.4), dbSNP rs2496448051, ClinGen allele CA379118176.